The following is an entry in ClinVar:

NM_020041.3(SLC2A9):c.250-9T>C

Genes: SLC2A9-AS1 (SLC2A9 antisense RNA 1; plus strand), SLC2A9 (solute carrier family 2 member 9; minus strand). Cytogenetic location: 4p16.1.
Variant type: single nucleotide variant.
Coding change: c.250-9T>C on transcript NM_020041.3 (MANE Select); 9 bases into the intron before coding-DNA position 250, T replaced by C.
Molecular consequence: intron variant.
Genome position (GRCh38, 1-based): chr4:9,996,950, A>G on the plus strand (T>C on the coding strand, the complement: SLC2A9 is on the minus strand). VCF-style: chr4-9996950-A-G. GRCh37 (hg19) VCF-style: chr4-9998574-A-G.
Other names: c.163-9T>C (NM_001001290.2).
Identifiers: ClinVar variation 350241 (VCV000350241.13), dbSNP rs770788275, ClinGen allele CA2857302.
Genomic context (GRCh38, chr4:9,996,950, plus strand): 5'-TTGGACGTCCATGCCTTCTTTCCCATGACTCATTGTAAAAGGCCTTGATGTACTGAAAAT[A>G]AACAACAAACCATGTTATTTCCTTCTGTTCTCTCCTGCTGCTTGAAGCAAGCCAGTGTAC-3'

ClinVar aggregate classification (germline): Benign/Likely benign. Review status: criteria provided, multiple submitters, no conflicts (2 of 4 stars). 2 submissions from 2 submitters: Benign (1); Likely benign (1). Last evaluated 2019-08-08.

Conditions:
Hypouricemia, renal, 2. Also called: HYPOURICEMIA, RENAL, 2, AUTOSOMAL DOMINANT; HYPOURICEMIA, RENAL, 2, AUTOSOMAL RECESSIVE. Identifiers: MedGen C2677549, MONDO:0012793, OMIM 612076.

Allele frequency attached by ClinVar (database versions not stated): gnomAD exomes below 0.00001 and 0.00002; ExAC 0.00002; gnomAD 0.00004 and 0.00005; TOPMed 0.00004.
gnomAD v4.1: 14 of 1,613,608 alleles (0.00087%); highest among the groups gnomAD compares: African/African-American, 0.015%; no homozygotes.

Submissions (2):

Labcorp Genetics (formerly Invitae), Labcorp
Classification: Likely benign. Last evaluated: 2019-08-08. Review status: criteria provided, single submitter. Criteria: Invitae Variant Classification Sherloc (09022015). Collection method: clinical testing. Allele origin: germline.

Illumina Laboratory Services, Illumina
Classification: Benign for Hypouricemia, renal, 2. Last evaluated: 2018-01-13. Review status: criteria provided, single submitter. Criteria: ICSL Variant Classification Criteria 13 December 2019. Collection method: clinical testing. Allele origin: germline.
Comment: This variant was observed in the ICSL laboratory as part of a predisposition screen in an ostensibly healthy population. It had not been previously curated by ICSL or reported in the Human Gene Mutation Database (HGMD: prior to June 1st, 2018), and was therefore a candidate for classification through an automated scoring system. Utilizing variant allele frequency, disease prevalence and penetrance estimates, and inheritance mode, an automated score was calculated to assess if this variant is too frequent to cause the disease. Based on the score and internal cut-off values, a variant classified as benign is not then subjected to further curation. The score for this variant resulted in a classification of benign for this disease.